The following is an entry in ClinVar:

NM_001903.5(CTNNA1):c.1213A>G (p.Ile405Val)

Gene: CTNNA1 (catenin alpha 1; plus strand). Cytogenetic location: 5q31.2.
Variant type: single nucleotide variant.
Coding change: c.1213A>G on transcript NM_001903.5 (MANE Select); coding-DNA position 1213, A replaced by G.
Protein change: p.Ile405Val; replaces isoleucine 405 with valine.
Molecular consequence: missense variant. On other transcripts: 5 prime UTR variant (5), intron variant (2).
Genome position (GRCh38, 1-based): chr5:138,887,559, A>G. VCF-style: chr5-138887559-A-G. GRCh37 (hg19) VCF-style: chr5-138223248-A-G.
Other names: c.103A>G, p.Ile35Val (NM_001323987.1, NM_001323988.1, NM_001290312.1 and 18 more transcripts); c.1213A>G, p.Ile405Val (NM_001323986.2, NM_001290307.3, NM_001323982.2 and 3 more transcripts); c.904A>G, p.Ile302Val (NM_001290309.3); c.844A>G, p.Ile282Val (NM_001290310.3); c.-295A>G (NM_001324006.1, NM_001324007.1, NM_001324008.1 and 1 more transcripts); c.-170A>G (NM_001324013.1); c.-58+11962A>G (NM_001324012.1); c.-61+11962A>G (NM_001324010.1); short protein forms I282V, I302V, I405V, I35V.
Identifiers: ClinVar variation 4007980 (VCV004007980.1).

ClinVar aggregate classification (germline): Uncertain significance (1 of 4 stars; one submission).

Conditions:
Hereditary cancer-predisposing syndrome. Also called: Tumor predisposition; Hereditary neoplastic syndrome; Neoplastic Syndromes, Hereditary; Hereditary Cancer Syndrome. Identifiers: Orphanet 140162, MedGen C0027672, MeSH D009386, MONDO:0015356.

Submission:

Ambry Genetics
Classification: Uncertain significance for Hereditary cancer-predisposing syndrome. Last evaluated: 2025-04-18. Review status: criteria provided, single submitter. Criteria: Ambry Variant Classification Scheme 2023. Collection method: clinical testing. Allele origin: germline.
Comment: The p.I405V variant (also known as c.1213A>G), located in coding exon 8 of the CTNNA1 gene, results from an A to G substitution at nucleotide position 1213. The isoleucine at codon 405 is replaced by valine, an amino acid with highly similar properties. This amino acid position is conserved. In addition, this alteration is predicted to be tolerated by in silico analysis. Based on the available evidence, the clinical significance of this variant remains unclear.